The following is an entry in ClinVar:

NM_000540.3(RYR1):c.10472A>G (p.Gln3491Arg)

Gene: RYR1 (ryanodine receptor 1; plus strand). Cytogenetic location: 19q13.2.
Variant type: single nucleotide variant.
Coding change: c.10472A>G on transcript NM_000540.3 (MANE Select); coding-DNA position 10472, A replaced by G.
Protein change: p.Gln3491Arg; replaces glutamine 3491 with arginine.
Molecular consequence: missense variant.
Genome position (GRCh38, 1-based): chr19:38,525,348, A>G. VCF-style: chr19-38525348-A-G. GRCh37 (hg19) VCF-style: chr19-39015988-A-G.
Other names: c.10457A>G, p.Gln3486Arg (NM_001042723.2); short protein forms Q3486R, Q3491R.
Identifiers: ClinVar variation 3253055 (VCV003253055.3), dbSNP rs761890723.

ClinVar aggregate classification (germline): Uncertain significance. Review status: criteria provided, multiple submitters, no conflicts (2 of 4 stars). 3 submissions from 3 submitters: Uncertain significance (3). Last evaluated 2024-05-30.

Conditions:
Malignant hyperthermia, susceptibility to, 1 (MHS1). Also called: RYR1-Related Malignant Hyperthermia Susceptibility; Malignant hyperthermia suceptibility 1; Anesthesia related hyperthermia; Malignant hyperpyrexia; Fulminating hyperpyrexia; Pharmacogenic myopathy. Identifiers: Orphanet 423, MedGen C2930980, MONDO:0007783, OMIM 145600.

Allele frequency attached by ClinVar (database versions not stated): gnomAD exomes below 0.00001; ExAC 0.00001.
gnomAD v4.1: 5 of 1,609,246 alleles (0.00031%); highest among the groups gnomAD compares: South Asian, 0.0011%; no homozygotes.

Submissions (3):

All of Us Research Program, National Institutes of Health
Classification: Uncertain significance for Malignant hyperthermia, susceptibility to, 1. Last evaluated: 2024-05-30. Review status: criteria provided, single submitter. Criteria: ACMG Guidelines, 2015. Collection method: clinical testing. Allele origin: germline. Inheritance: Autosomal dominant inheritance. Observed: 1 variant allele, 1 heterozygote.
Comment: This missense variant replaces glutamine with arginine at codon 3491 of the RYR1 protein. Computational prediction suggests that this variant may not impact protein structure and function (internally defined REVEL score threshold <= 0.5, PMID: 27666373). To our knowledge, functional studies have not been reported for this variant. This variant has not been reported in individuals affected with RYR1-related disorders in the literature. This variant has been identified in 1/251012 chromosomes in the general population by the Genome Aggregation Database (gnomAD). The available evidence is insufficient to determine the role of this variant in disease conclusively. Therefore, this variant is classified as a Variant of Uncertain Significance.

This study involves interpretation of variants in research participants for the purpose of population health screening. Participant phenotype was not available at the time of variant classification. Additional details can be found in publication PMID: 35346344, PMCID: PMC8962531

Color Diagnostics, LLC DBA Color Health
Classification: Uncertain significance for Malignant hyperthermia, susceptibility to, 1. Last evaluated: 2024-05-07. Review status: criteria provided, single submitter. Criteria: ACMG Guidelines, 2015. Collection method: clinical testing. Allele origin: germline.
Comment: This missense variant replaces glutamine with arginine at codon 3491 of the RYR1 protein. Computational prediction suggests that this variant may not impact protein structure and function. To our knowledge, functional studies have not been reported for this variant. This variant has not been reported in individuals affected with RYR1-related disorders in the literature. This variant has been identified in 1/251012 chromosomes in the general population by the Genome Aggregation Database (gnomAD). The available evidence is insufficient to determine the role of this variant in disease conclusively. Therefore, this variant is classified as a Variant of Uncertain Significance.

GeneDx
Classification: Uncertain significance. Last evaluated: 2023-10-06. Review status: criteria provided, single submitter. Criteria: GeneDx Variant Classification Process June 2021. Collection method: clinical testing. Allele origin: germline. Affected: yes.
Comment: Not observed at significant frequency in large population cohorts (gnomAD); In silico analysis supports that this missense variant has a deleterious effect on protein structure/function; Has not been previously published as pathogenic or benign to our knowledge